The following is an entry in ClinVar:

ClinVar aggregate classification (germline): Likely benign. Review status: criteria provided, multiple submitters, no conflicts (2 of 4 stars). 2 submissions from 2 submitters: Likely benign (2). Last evaluated 2024-06-01.

Conditions:
Mowat-Wilson syndrome (MOWS). Also called: Classic Mowat-Wilson Syndrome. Identifiers: Orphanet 2152, MedGen C1856113, MONDO:0009341, OMIM 235730.

Allele frequency attached by ClinVar (database versions not stated): TOPMed below 0.00001; gnomAD 0.00001.
gnomAD v4.1: 4 of 1,609,948 alleles (0.00025%); highest among the groups gnomAD compares: Admixed American, 0.005%; no homozygotes.

Submissions (2):

CeGaT Center for Human Genetics Tuebingen
Classification: Likely benign. Last evaluated: 2024-06-01. Review status: criteria provided, single submitter. Criteria: CeGaT Center For Human Genetics Tuebingen Variant Classification Criteria Version 2. Collection method: clinical testing. Allele origin: germline. Affected: yes. Observed: 1 variant allele.
Comment: ZEB2: BP4, BP7

Labcorp Genetics (formerly Invitae), Labcorp
Classification: Likely benign for Mowat-Wilson syndrome. Last evaluated: 2022-03-13. Review status: criteria provided, single submitter. Criteria: Invitae Variant Classification Sherloc (09022015). Collection method: clinical testing. Allele origin: germline.

NM_014795.4(ZEB2):c.3150G>A (p.Ser1050=)

Gene: ZEB2 (zinc finger E-box binding homeobox 2; minus strand). Cytogenetic location: 2q22.3.
Variant type: single nucleotide variant.
Coding change: c.3150G>A on transcript NM_014795.4 (MANE Select); coding-DNA position 3150, G replaced by A.
Protein change: p.Ser1050=; no amino-acid change (serine 1050 retained).
Molecular consequence: synonymous variant.
Genome position (GRCh38, 1-based): chr2:144,389,946, C>T on the plus strand (G>A on the coding strand, the complement: ZEB2 is on the minus strand). VCF-style: chr2-144389946-C-T. GRCh37 (hg19) VCF-style: chr2-145147513-C-T.
Other names: c.3078G>A, p.Ser1026= (NM_001171653.2).
Identifiers: ClinVar variation 2169113 (VCV002169113.22), dbSNP rs1324396979, ClinGen allele CA429445506.